The following is an entry in ClinVar:

ClinVar aggregate classification (germline): Uncertain significance. Review status: criteria provided, single submitter (1 of 4 stars). 2 submissions from 2 submitters: Uncertain significance (1). 1 of the submissions does not count toward it. Last evaluated 2023-09-14.

Conditions:
TRPC5-related disorder. Also called: TRPC5-related condition.

Allele frequency attached by ClinVar (database versions not stated): ExAC 0.00002; gnomAD exomes 0.00003; TOPMed 0.00003; gnomAD 0.00004.
gnomAD v4.1: 33 of 1,193,241 alleles (0.0028%); highest among the groups gnomAD compares: Non-Finnish European, 0.0034%; no homozygotes.

Submissions (2):

Ambry Genetics
Classification: Uncertain significance. Last evaluated: 2023-09-14. Review status: criteria provided, single submitter. Criteria: Ambry Variant Classification Scheme 2023. Collection method: clinical testing. Allele origin: germline.

PreventionGenetics, part of Exact Sciences
Classification: Uncertain significance for TRPC5-related condition. Last evaluated: 2024-05-27. Review status: no assertion criteria provided. Collection method: clinical testing. Allele origin: germline. Not counted in ClinVar's aggregate classification.
Comment: The TRPC5 c.2072G>A variant is predicted to result in the amino acid substitution p.Arg691Gln. To our knowledge, this variant has not been reported in the literature. This variant is reported in 0.0069% of alleles in individuals of European (Non-Finnish) descent in gnomAD, including two hemizygotes. At this time, the clinical significance of this variant is uncertain due to the absence of conclusive functional and genetic evidence.

NM_012471.3(TRPC5):c.2072G>A (p.Arg691Gln)

Gene: TRPC5 (transient receptor potential cation channel subfamily C member 5; minus strand). Cytogenetic location: Xq23.
Variant type: single nucleotide variant.
Coding change: c.2072G>A on transcript NM_012471.3 (MANE Select); coding-DNA position 2072, G replaced by A.
Protein change: p.Arg691Gln; replaces arginine 691 with glutamine.
Molecular consequence: missense variant.
Genome position (GRCh38, 1-based): chrX:111,781,963, C>T on the plus strand (G>A on the coding strand, the complement: TRPC5 is on the minus strand). VCF-style: chrX-111781963-C-T. GRCh37 (hg19) VCF-style: chrX-111025191-C-T.
Other names: short protein forms R691Q.
Identifiers: ClinVar variation 2590945 (VCV002590945.3), dbSNP rs771982549, ClinGen allele CA10494222.
Genomic context (GRCh38, chrX:111,781,963, plus strand): 5'-AAAAATTAAGTTTTCAAAATTAAAAGTCTTACTGTGAAACTTCTCAAGTTGCGCCTTCTC[C>T]GTCTACCGTCAGGGTCTCTTTTGGGGCAGAAGGTGTTGTTGAACCAGTTACCAAGGTATA-3'
Protein context (NP_036603.1, residues 681-701): FCPKRDPDGR[Arg691Gln]RRRNLRSFTE